The following is an entry in ClinVar:

NM_001042432.2(CLN3):c.772G>A (p.Ala258Thr)

Gene: CLN3 (CLN3 lysosomal/endosomal transmembrane protein, battenin; minus strand). Cytogenetic location: 16p12.1.
Variant type: single nucleotide variant.
Coding change: c.772G>A on transcript NM_001042432.2 (MANE Select); coding-DNA position 772, G replaced by A.
Protein change: p.Ala258Thr; replaces alanine 258 with threonine.
Molecular consequence: missense variant.
Genome position (GRCh38, 1-based): chr16:28,484,024, C>T on the plus strand (G>A on the coding strand, the complement: CLN3 is on the minus strand). VCF-style: chr16-28484024-C-T. GRCh37 (hg19) VCF-style: chr16-28495345-C-T.
Other names: c.700G>A, p.Ala234Thr (NM_001286104.2); c.472G>A, p.Ala158Thr (NM_001286105.2); c.538G>A, p.Ala180Thr (NM_001286109.2); c.610G>A, p.Ala204Thr (NM_001286110.2); c.772G>A, p.Ala258Thr (NM_000086.2); c.472G>A (NM_001286105.1); short protein forms A180T, A234T, A258T, A204T, A158T.
Identifiers: ClinVar variation 1901686 (VCV001901686.6), dbSNP rs2506465374, ClinGen allele CA395344726.

ClinVar aggregate classification (germline): Uncertain significance (1 of 4 stars; one submission).

Conditions:
Neuronal ceroid lipofuscinosis. Also called: Neuronal Ceroid Lipofuscinoses. Identifiers: Orphanet 216, Orphanet 79263, MedGen C0027877, MONDO:0016295. Disease mechanism: loss of function.

Allele frequency attached by ClinVar (database versions not stated): gnomAD exomes 0.00001.
gnomAD v4.1: 18 of 1,610,394 alleles (0.0011%); highest among the groups gnomAD compares: Non-Finnish European, 0.0015%; no homozygotes.

Submission:

Labcorp Genetics (formerly Invitae), Labcorp
Classification: Uncertain significance for Neuronal ceroid lipofuscinosis. Last evaluated: 2025-11-06. Review status: criteria provided, single submitter. Criteria: Invitae Variant Classification Sherloc (09022015). Collection method: clinical testing. Allele origin: germline.
Comment: This sequence change replaces alanine, which is neutral and non-polar, with threonine, which is neutral and polar, at codon 258 of the CLN3 protein (p.Ala258Thr). This variant is not present in population databases (gnomAD no frequency). This variant has not been reported in the literature in individuals affected with CLN3-related conditions. ClinVar contains an entry for this variant (Variation ID: 1901686). Invitae Evidence Modeling of protein sequence and biophysical properties (such as structural, functional, and spatial information, amino acid conservation, physicochemical variation, residue mobility, and thermodynamic stability) indicates that this missense variant is not expected to disrupt CLN3 protein function with a negative predictive value of 80%. In summary, the available evidence is currently insufficient to determine the role of this variant in disease. Therefore, it has been classified as a Variant of Uncertain Significance.